The following is an entry in ClinVar:

NM_182978.4(GNAL):c.1163-7T>G

Gene: GNAL (G protein subunit alpha L; plus strand). Cytogenetic location: 18p11.21.
Variant type: single nucleotide variant.
Coding change: c.1163-7T>G on transcript NM_182978.4 (MANE Select); 7 bases into the intron before coding-DNA position 1163, T replaced by G.
Molecular consequence: intron variant.
Genome position (GRCh38, 1-based): chr18:11,876,614, T>G. VCF-style: chr18-11876614-T-G. GRCh37 (hg19) VCF-style: chr18-11876613-T-G.
Other names: c.932-7T>G (NM_001261443.2, NM_001142339.3, NM_001369387.1); c.311-7T>G (NM_001261444.2).
Identifiers: ClinVar variation 626331 (VCV000626331.16), dbSNP rs3892113, ClinGen allele CA8894229.

ClinVar aggregate classification (germline): Benign. Review status: criteria provided, multiple submitters, no conflicts (2 of 4 stars). 4 submissions from 4 submitters: Benign (3). 1 of the submissions does not count toward it. Last evaluated 2026-02-03.

Conditions:
Dystonic disorder. Also called: Dystonia. Identifiers: MedGen C0013421, MONDO:0003441, HP:0001332.
Dystonia 25 (DYT25). Also called: DYT-GNAL. Identifiers: Orphanet 329466, MedGen C4304670, MONDO:0014033, OMIM 615073.

Allele frequency attached by ClinVar (database versions not stated): TOPMed 0.05594; gnomAD 0.05790; ESP Exome Variant Server 0.05851; gnomAD exomes 0.06189; ExAC 0.06280; 1000 Genomes Project 0.04393; 1000 Genomes Project 30x 0.04435.
gnomAD v4.1: 100,421 of 1,559,264 alleles (6.4%); highest among the groups gnomAD compares: Middle Eastern, 9%; 3,621 homozygotes.

Submissions (26):

Labcorp Genetics (formerly Invitae), Labcorp
Classification: Benign for Dystonic disorder. Last evaluated: 2026-02-03. Review status: criteria provided, single submitter. Criteria: Invitae Variant Classification Sherloc (09022015). Collection method: clinical testing. Allele origin: germline.

GeneDx
Classification: Benign. Last evaluated: 2018-07-30. Review status: criteria provided, single submitter. Criteria: GeneDx Variant Classification Process June 2021. Collection method: clinical testing. Allele origin: germline. Affected: yes.
Comment: This variant is associated with the following publications: (PMID: 27884173, 23759320, 24729450, 24408567)

Breakthrough Genomics
Classification: Benign. Review status: criteria provided, single submitter. Criteria: ACMG Guidelines, 2015. Collection method: not provided. Allele origin: germline. Inheritance: Autosomal dominant inheritance. Affected: yes.

Dr. Peter K. Rogan Lab, Western University
No classification provided (evidence only). Condition: Uterine corpus endometrial carcinoma. Review status: no classification provided. Collection method: in vitro. Allele origin: not applicable. Functional consequence: retained intron. Not counted in ClinVar's aggregate classification.

Dr. Peter K. Rogan Lab, Western University
No classification provided (evidence only). Condition: Uterine corpus endometrial carcinoma. Review status: no classification provided. Collection method: in vitro. Allele origin: not applicable. Functional consequence: retained intron. Not counted in ClinVar's aggregate classification.

Dr. Peter K. Rogan Lab, Western University
No classification provided (evidence only). Condition: Uterine corpus endometrial carcinoma. Review status: no classification provided. Collection method: in vitro. Allele origin: not applicable. Functional consequence: retained intron. Not counted in ClinVar's aggregate classification.

Dr. Peter K. Rogan Lab, Western University
No classification provided (evidence only). Condition: Uterine corpus endometrial carcinoma. Review status: no classification provided. Collection method: in vitro. Allele origin: not applicable. Functional consequence: retained intron. Not counted in ClinVar's aggregate classification.

Dr. Peter K. Rogan Lab, Western University
No classification provided (evidence only). Condition: Uterine corpus endometrial carcinoma. Review status: no classification provided. Collection method: in vitro. Allele origin: not applicable. Functional consequence: retained intron. Not counted in ClinVar's aggregate classification.

Dr. Peter K. Rogan Lab, Western University
No classification provided (evidence only). Condition: Uterine corpus endometrial carcinoma. Review status: no classification provided. Collection method: in vitro. Allele origin: not applicable. Functional consequence: retained intron. Not counted in ClinVar's aggregate classification.

Dr. Peter K. Rogan Lab, Western University
No classification provided (evidence only). Condition: Uterine corpus endometrial carcinoma. Review status: no classification provided. Collection method: in vitro. Allele origin: not applicable. Functional consequence: retained intron. Not counted in ClinVar's aggregate classification.

Dr. Peter K. Rogan Lab, Western University
No classification provided (evidence only). Condition: Uterine corpus endometrial carcinoma. Review status: no classification provided. Collection method: in vitro. Allele origin: not applicable. Functional consequence: retained intron. Not counted in ClinVar's aggregate classification.

Dr. Peter K. Rogan Lab, Western University
No classification provided (evidence only). Condition: Malignant lymphoma, large B-cell, diffuse. Review status: no classification provided. Collection method: in vitro. Allele origin: not applicable. Functional consequence: retained intron. Not counted in ClinVar's aggregate classification.

Dr. Peter K. Rogan Lab, Western University
No classification provided (evidence only). Condition: Malignant lymphoma, large B-cell, diffuse. Review status: no classification provided. Collection method: in vitro. Allele origin: not applicable. Functional consequence: retained intron. Not counted in ClinVar's aggregate classification.

Dr. Peter K. Rogan Lab, Western University
No classification provided (evidence only). Condition: Thymoma. Review status: no classification provided. Collection method: in vitro. Allele origin: not applicable. Functional consequence: retained intron. Not counted in ClinVar's aggregate classification.

Dr. Peter K. Rogan Lab, Western University
No classification provided (evidence only). Condition: Thymoma. Review status: no classification provided. Collection method: in vitro. Allele origin: not applicable. Functional consequence: retained intron. Not counted in ClinVar's aggregate classification.

Dr. Peter K. Rogan Lab, Western University
No classification provided (evidence only). Condition: Thymoma. Review status: no classification provided. Collection method: in vitro. Allele origin: not applicable. Functional consequence: retained intron. Not counted in ClinVar's aggregate classification.

Dr. Peter K. Rogan Lab, Western University
No classification provided (evidence only). Condition: Thymoma. Review status: no classification provided. Collection method: in vitro. Allele origin: not applicable. Functional consequence: retained intron. Not counted in ClinVar's aggregate classification.

Dr. Peter K. Rogan Lab, Western University
No classification provided (evidence only). Condition: Cholangiocarcinoma. Review status: no classification provided. Collection method: in vitro. Allele origin: not applicable. Functional consequence: retained intron. Not counted in ClinVar's aggregate classification.

Dr. Peter K. Rogan Lab, Western University
No classification provided (evidence only). Condition: Cholangiocarcinoma. Review status: no classification provided. Collection method: in vitro. Allele origin: not applicable. Functional consequence: retained intron. Not counted in ClinVar's aggregate classification.

Dr. Peter K. Rogan Lab, Western University
No classification provided (evidence only). Condition: Uterine carcinosarcoma. Review status: no classification provided. Collection method: in vitro. Allele origin: not applicable. Functional consequence: retained intron. Not counted in ClinVar's aggregate classification.

Dr. Peter K. Rogan Lab, Western University
No classification provided (evidence only). Condition: Uterine carcinosarcoma. Review status: no classification provided. Collection method: in vitro. Allele origin: not applicable. Functional consequence: retained intron. Not counted in ClinVar's aggregate classification.

Dr. Peter K. Rogan Lab, Western University
No classification provided (evidence only). Condition: Uterine carcinosarcoma. Review status: no classification provided. Collection method: in vitro. Allele origin: not applicable. Functional consequence: retained intron. Not counted in ClinVar's aggregate classification.

Dr. Peter K. Rogan Lab, Western University
No classification provided (evidence only). Condition: Uterine carcinosarcoma. Review status: no classification provided. Collection method: in vitro. Allele origin: not applicable. Functional consequence: retained intron. Not counted in ClinVar's aggregate classification.

Dr. Peter K. Rogan Lab, Western University
No classification provided (evidence only). Condition: Uterine carcinosarcoma. Review status: no classification provided. Collection method: in vitro. Allele origin: not applicable. Functional consequence: retained intron. Not counted in ClinVar's aggregate classification.

Dr. Peter K. Rogan Lab, Western University
No classification provided (evidence only). Condition: Uveal melanoma. Review status: no classification provided. Collection method: in vitro. Allele origin: not applicable. Functional consequence: retained intron. Not counted in ClinVar's aggregate classification.

GeneReviews
No classification provided. Condition: Dystonia 25. Review status: no classification provided. Collection method: literature only. Allele origin: germline. Not counted in ClinVar's aggregate classification.

Literature cited by the submitters: PubMed 23759320 (cited by GeneReviews); PubMed 24408567 (cited by GeneReviews); PubMed 27123488 (cited by GeneReviews); PubMed 30605297 (cited by GeneReviews).